The following is an entry in ClinVar:

ClinVar aggregate classification (germline): Uncertain significance (1 of 4 stars; one submission).

Conditions:
Cardiomyopathy (CMYO). Also called: Cardiomyopathies. Identifiers: Orphanet 167848, MedGen C0878544, MONDO:0004994, HP:0001638. Inheritance: Various modes of inheritance.

Submission:

Color Diagnostics, LLC DBA Color Health
Classification: Uncertain significance for Cardiomyopathy. Last evaluated: 2018-11-13. Review status: criteria provided, single submitter. Criteria: ACMG Guidelines, 2015. Collection method: clinical testing. Allele origin: germline.
Comment: This variant alters the canonical splice acceptor site in intron 2 of the DSC2 gene. Computational splicing tools predict that this variant may have significant adverse effects on splicing. To our knowledge, RNA study has not been performed to investigate the molecular impact of this variant. This variant has not been reported in individuals affected with cardiovascular disorders or in unaffected control individuals in the literature. This variant is rare in the general population and has been identified in 0/277264 chromosomes by the Genome Aggregation Database (gnomAD). Although this variant affects a canonical splice acceptor site, its molecular impact is not known and available evidence is insufficient to determine the role of this variant in disease conclusively. Therefore, this variant is classified as a Variant of Uncertain Significance.

NM_024422.6(DSC2):c.155-1G>A

Gene: DSC2 (desmocollin 2; minus strand). Cytogenetic location: 18q12.1.
Variant type: single nucleotide variant.
Coding change: c.155-1G>A on transcript NM_024422.6 (MANE Select); the canonical splice acceptor site of the intron before coding-DNA position 155, G replaced by A.
Molecular consequence: splice acceptor variant.
Genome position (GRCh38, 1-based): chr18:31,092,301, C>T on the plus strand (G>A on the coding strand, the complement: DSC2 is on the minus strand). VCF-style: chr18-31092301-C-T. GRCh37 (hg19) VCF-style: chr18-28672264-C-T.
Other names: c.155-1G>A (NM_004949.5); c.-275-1G>A (NM_001406506.1, NM_001406507.1).
Identifiers: ClinVar variation 920231 (VCV000920231.3), dbSNP rs1987629887, ClinGen allele CA402114999.